The following is an entry in ClinVar:

ClinVar aggregate classification (germline): Uncertain significance. Review status: criteria provided, multiple submitters, no conflicts (2 of 4 stars). 2 submissions from 2 submitters: Uncertain significance (2). Last evaluated 2025-04-29.

Conditions:
Short-rib thoracic dysplasia 15 with polydactyly (SRTD15). Identifiers: MedGen C4310724, MONDO:0014907, OMIM 617088.
DYNC2LI1-related disorder. Also called: DYNC2LI1-related condition.

gnomAD v4.1: 46 of 1,604,258 alleles (0.0029%); highest among the groups gnomAD compares: East Asian, 0.052%; no homozygotes.

Submissions (2):

PreventionGenetics, part of Exact Sciences
Classification: Uncertain significance for DYNC2LI1-related condition. Last evaluated: 2025-04-29. Review status: criteria provided, single submitter. Criteria: ACMG Guidelines, 2015. Collection method: clinical testing. Allele origin: germline.
Comment: The DYNC2LI1 c.692G>A variant is predicted to result in the amino acid substitution p.Arg231His. To our knowledge, this variant has not been reported in the literature. This variant is reported in 0.071% of alleles in individuals of East Asian descent in gnomAD. Although we suspect that this variant may be benign, at this time, the clinical significance of this variant is uncertain due to the absence of conclusive functional and genetic evidence.

Juno Genomics, Hangzhou Juno Genomics, Inc
Classification: Uncertain significance for Short-rib thoracic dysplasia 15 with polydactyly. Review status: criteria provided, single submitter. Criteria: ACMG Guidelines, 2015. Collection method: clinical testing. Allele origin: germline.
Comment: Absent from controls (or at extremely low frequency if recessive) in Genome Aggregation Database.;Multiple lines of computational evidence support a deleterious effect on the gene or gene product.

NM_016008.4(DYNC2LI1):c.692G>A (p.Arg231His)

Gene: DYNC2LI1 (dynein cytoplasmic 2 light intermediate chain 1; plus strand). Cytogenetic location: 2p21.
Variant type: single nucleotide variant.
Coding change: c.692G>A on transcript NM_016008.4 (MANE Select); coding-DNA position 692, G replaced by A.
Protein change: p.Arg231His; replaces arginine 231 with histidine.
Molecular consequence: missense variant.
Genome position (GRCh38, 1-based): chr2:43,800,878, G>A. VCF-style: chr2-43800878-G-A. GRCh37 (hg19) VCF-style: chr2-44028017-G-A.
Other names: c.695G>A, p.Arg232His (NM_001193464.2, NM_001348913.2); c.692G>A, p.Arg231His (NM_001348912.2); short protein forms R231H, R232H.
Identifiers: ClinVar variation 4989275 (VCV004989275.3).
Genomic context (GRCh38, chr2:43,800,878, plus strand): 5'-TTGTTCTCCTGATTTGTTTAAAGTTTACCAGTAAATCAGAAGCTCTATTACTAAAAATAC[G>A]TGGAGTTATCAACCAGTTGGCATTTGGCATTGACAAAAGGTACTGCTAAGATATTTTTTA-3'
Protein context (NP_057092.2, residues 221-241): SKSEALLLKI[Arg231His]GVINQLAFGI